The following is an entry in ClinVar:

ClinVar aggregate classification (germline): Benign (1 of 4 stars; one submission).

Conditions:
Autosomal dominant striatal neurodegeneration type 1. Identifiers: Orphanet 228169, MedGen C4310808, MONDO:0012205, OMIM 609161.

Allele frequency attached by ClinVar (database versions not stated): gnomAD 0.00018 and 0.00025; TOPMed 0.00019; gnomAD exomes 0.00038; 1000 Genomes Project 30x 0.00062; 1000 Genomes Project 0.00080.
gnomAD v4.1: 105 of 337,172 alleles (0.031%); highest among the groups gnomAD compares: South Asian, 0.11%; no homozygotes.

Submission:

Illumina Laboratory Services, Illumina
Classification: Benign for Autosomal dominant striatal neurodegeneration type 1. Last evaluated: 2018-01-13. Review status: criteria provided, single submitter. Criteria: ICSL Variant Classification Criteria 13 December 2019. Collection method: clinical testing. Allele origin: germline.
Comment: This variant was observed in the ICSL laboratory as part of a predisposition screen in an ostensibly healthy population. It had not been previously curated by ICSL or reported in the Human Gene Mutation Database (HGMD: prior to June 1st, 2018), and was therefore a candidate for classification through an automated scoring system. Utilizing variant allele frequency, disease prevalence and penetrance estimates, and inheritance mode, an automated score was calculated to assess if this variant is too frequent to cause the disease. Based on the score and internal cut-off values, a variant classified as benign is not then subjected to further curation. The score for this variant resulted in a classification of benign for this disease.

NM_003719.5(PDE8B):c.*341C>T

Gene: PDE8B (phosphodiesterase 8B; plus strand). Cytogenetic location: 5q13.3.
Variant type: single nucleotide variant.
Coding change: c.*341C>T on transcript NM_003719.5 (MANE Select); 341 bases downstream of the stop codon, C replaced by T.
Molecular consequence: 3 prime UTR variant.
Genome position (GRCh38, 1-based): chr5:77,426,895, C>T. VCF-style: chr5-77426895-C-T. GRCh37 (hg19) VCF-style: chr5-76722720-C-T.
Other names: c.*341C>T (NM_001029851.4, NM_001029852.4, NM_001029853.4 and 19 more transcripts); c.*427C>T (NM_001349751.3, NM_001376072.1).
Identifiers: ClinVar variation 905877 (VCV000905877.4), dbSNP rs559578439, ClinGen allele CA121089357.
Genomic context (GRCh38, chr5:77,426,895, plus strand): 5'-CTGGTTCACTGTAACTAGCAGGCCACAGGAAGCAAAGCCTTGGTGCCTGTGAGCTCATCT[C>T]CCAGGATGGTGACTAAGTAGCTTAGCTAGTGATCAGCTCATCCTTTACCATAAAAGTCAT-3'